The following is an entry in ClinVar:

ClinVar aggregate classification (germline): Likely benign (1 of 4 stars; one submission).

Allele frequency attached by ClinVar (database versions not stated): ExAC 0.00022; 1000 Genomes Project 30x 0.00208; gnomAD 0.00241.

Submission:

CeGaT Center for Human Genetics Tuebingen
Classification: Likely benign. Last evaluated: 2023-02-01. Review status: criteria provided, single submitter. Criteria: CeGaT Center For Human Genetics Tuebingen Variant Classification Criteria Version 2. Collection method: clinical testing. Allele origin: germline. Affected: yes. Observed: 2 variant alleles.
Comment: SPANXA2-OT1: BS2; SPANXC: BP4, BS2

NM_022661.4(SPANXC):c.194A>G (p.Glu65Gly)

Gene: SPANXC (SPANX family member C; minus strand). Cytogenetic location: Xq27.2.
Variant type: single nucleotide variant.
Coding change: c.194A>G on transcript NM_022661.4 (MANE Select); coding-DNA position 194, A replaced by G.
Protein change: p.Glu65Gly; replaces glutamic acid 65 with glycine.
Molecular consequence: missense variant.
Genome position (GRCh38, 1-based): chrX:141,241,617, T>C on the plus strand (A>G on the coding strand, the complement: SPANXC is on the minus strand). VCF-style: chrX-141241617-T-C. GRCh37 (hg19) VCF-style: chrX-140335750-T-C.
Other names: short protein forms E65G.
Identifiers: ClinVar variation 2661547 (VCV002661547.24), dbSNP rs782209090, ClinGen allele CA10532017.
Genomic context (GRCh38, chrX:141,241,617, plus strand): 5'-TCCTCCTCCATTTGGAGGGGGTTGATTCTGTTCTCTCGGGCGTGGTCATTCACCAGTTCC[T>C]CTGGAGATGTTCTTTTCACGTTCCTCCTGTAGCGAACCACTAGTATGGTCGAGGACTCAG-3'
Protein context (NP_073152.2, residues 55-75): YRRNVKRTSP[Glu65Gly]ELVNDHAREN